The following is an entry in ClinVar:

ClinVar aggregate classification (germline): Conflicting classifications of pathogenicity. Review status: criteria provided, conflicting classifications (1 of 4 stars). 3 submissions from 3 submitters: Uncertain significance (1); Likely benign (2). Last evaluated 2026-04-01.

Conditions:
PIEZO1-related disorder. Also called: PIEZO1-related condition; PIEZO1-Related Disorders.
Dehydrated hereditary stomatocytosis with or without pseudohyperkalemia and/or perinatal edema (DHS1). Also called: Dehydrated hereditary stomatocytosis 1 with or without pseudohyperkalemia and/or perinatal edema; PSEUDOHYPERKALEMIA EDINBURGH; DEHYDRATED HEREDITARY STOMATOCYTOSIS AND PSEUDOHYPERKALEMIA; DEHYDRATED HEREDITARY STOMATOCYTOSIS WITH PSEUDOHYPERKALEMIA AND PERINATAL EDEMA; Pseudohyperkalemia, familial, 1, due to red cell leak. Identifiers: Orphanet 3202, MedGen C4551512, MONDO:0008689, OMIM 194380.
Lymphatic malformation 6 (LMPHM6). Also called: GENERALIZED LYMPHATIC DYSPLASIA OF FOTIOU; Lymphedema, hereditary, III; PIEZO1-related generalized lymphatic dysplasia with non-immune hydrops fetalis. Identifiers: Orphanet 568062, MedGen C4225184, MONDO:0014797, OMIM 616843.

gnomAD v4.1: 173 of 1,501,872 alleles (0.012%); highest among the groups gnomAD compares: East Asian, 0.35%; 1 homozygote.

Submissions (3):

CeGaT Center for Human Genetics Tuebingen
Classification: Likely benign. Last evaluated: 2026-04-01. Review status: criteria provided, single submitter. Criteria: CeGaT Center For Human Genetics Tuebingen Variant Classification Criteria Version 2. Collection method: clinical testing. Allele origin: germline. Affected: yes. Observed: 1 variant allele.
Comment: PIEZO1: BS2

PreventionGenetics, part of Exact Sciences
Classification: Likely benign for PIEZO1-related condition. Last evaluated: 2024-12-04. Review status: criteria provided, single submitter. Criteria: ACMG Guidelines, 2015. Collection method: clinical testing. Allele origin: germline.
Comment: This variant is classified as likely benign based on ACMG/AMP sequence variant interpretation guidelines (Richards et al. 2015 PMID: 25741868, with internal and published modifications).

Department of Pathology and Laboratory Medicine, Sinai Health System
Classification: Uncertain significance for Dehydrated hereditary stomatocytosis with or without pseudohyperkalemia and/or perinatal edema; Lymphatic malformation 6. Last evaluated: 2022-11-08. Review status: criteria provided, single submitter. Criteria: ACMG Guidelines, 2015. Collection method: research. Allele origin: germline.

NM_001142864.4(PIEZO1):c.4187C>T (p.Ser1396Phe)

Gene: PIEZO1 (piezo type mechanosensitive ion channel component 1 (Er blood group); minus strand). Cytogenetic location: 16q24.3.
Variant type: single nucleotide variant.
Coding change: c.4187C>T on transcript NM_001142864.4 (MANE Select); coding-DNA position 4187, C replaced by T.
Protein change: p.Ser1396Phe; replaces serine 1396 with phenylalanine.
Molecular consequence: missense variant.
Genome position (GRCh38, 1-based): chr16:88,725,056, G>A on the plus strand (C>T on the coding strand, the complement: PIEZO1 is on the minus strand). VCF-style: chr16-88725056-G-A. GRCh37 (hg19) VCF-style: chr16-88791464-G-A.
Other names: c.4187C>T (NM_001142864.3); short protein forms S1396F.
Identifiers: ClinVar variation 3891947 (VCV003891947.4).